The following is an entry in ClinVar:

ClinVar aggregate classification (germline): Uncertain significance (1 of 4 stars; one submission).

Allele frequency attached by ClinVar (database versions not stated): gnomAD exomes below 0.00001; TOPMed below 0.00001; gnomAD 0.00001.
gnomAD v4.1: 8 of 1,612,690 alleles (0.0005%); highest among the groups gnomAD compares: Middle Eastern, 0.016%; no homozygotes.

Submission:

Labcorp Genetics (formerly Invitae), Labcorp
Classification: Uncertain significance. Last evaluated: 2023-09-20. Review status: criteria provided, single submitter. Criteria: Invitae Variant Classification Sherloc (09022015). Collection method: clinical testing. Allele origin: germline.
Comment: This sequence change replaces isoleucine, which is neutral and non-polar, with methionine, which is neutral and non-polar, at codon 1019 of the ITPR1 protein (p.Ile1019Met). This variant is present in population databases (no rsID available, gnomAD 0.002%). This variant has not been reported in the literature in individuals affected with ITPR1-related conditions. ClinVar contains an entry for this variant (Variation ID: 1986372). Advanced modeling of protein sequence and biophysical properties (such as structural, functional, and spatial information, amino acid conservation, physicochemical variation, residue mobility, and thermodynamic stability) has been performed at Invitae for this missense variant, however the output from this modeling did not meet the statistical confidence thresholds required to predict the impact of this variant on ITPR1 protein function. In summary, the available evidence is currently insufficient to determine the role of this variant in disease. Therefore, it has been classified as a Variant of Uncertain Significance.

NM_001378452.1(ITPR1):c.3129T>G (p.Ile1043Met)

Gene: ITPR1 (inositol 1,4,5-trisphosphate receptor type 1; plus strand). Cytogenetic location: 3p26.1.
Variant type: single nucleotide variant.
Coding change: c.3129T>G on transcript NM_001378452.1 (MANE Select); coding-DNA position 3129, T replaced by G.
Protein change: p.Ile1043Met; replaces isoleucine 1043 with methionine.
Molecular consequence: missense variant.
Genome position (GRCh38, 1-based): chr3:4,681,386, T>G. VCF-style: chr3-4681386-T-G. GRCh37 (hg19) VCF-style: chr3-4723070-T-G.
Other names: c.3102T>G, p.Ile1034Met (NM_001099952.4); c.3084T>G, p.Ile1028Met (NM_001168272.2); c.3057T>G, p.Ile1019Met (NM_002222.7); short protein forms I1028M, I1043M, I1034M, I1019M.
Identifiers: ClinVar variation 1986372 (VCV001986372.4), dbSNP rs1006644722, ClinGen allele CA68825709.
Genomic context (GRCh38, chr3:4,681,386, plus strand): 5'-CCTTCCTGCATCTGAAGTGGTATGTTCTAACTTTTCAGGTGCTCTTGACTTTGAACACAT[T>G]GAAGAACAAGCAGAAGGCATCTTTGGAGGAAGGAAAGTATATTTTCAGTTACTGTTTTGT-3'
Protein context (NP_001365381.1, residues 1033-1053): NVPGALDFEH[Ile1043Met]EEQAEGIFGG